The following is an entry in ClinVar:

ClinVar aggregate classification (germline): Uncertain significance. Review status: criteria provided, multiple submitters, no conflicts (2 of 4 stars). 2 submissions from 2 submitters: Uncertain significance (2). Last evaluated 2022-03-10.

Conditions:
Inborn genetic diseases. Identifiers: MedGen C0950123, MeSH D030342.
Peroxisome biogenesis disorder. Identifiers: Orphanet 79189, MedGen C1832200, MONDO:0019234. Disease mechanism: loss of function.

Allele frequency attached by ClinVar (database versions not stated): gnomAD exomes below 0.00001.
gnomAD v4.1: 2 of 1,608,990 alleles (0.00012%); highest among the groups gnomAD compares: African/African-American, 0.0013%; no homozygotes.

Submissions (2):

Labcorp Genetics (formerly Invitae), Labcorp
Classification: Uncertain significance for Peroxisome biogenesis disorder. Last evaluated: 2022-03-10. Review status: criteria provided, single submitter. Criteria: Invitae Variant Classification Sherloc (09022015). Collection method: clinical testing. Allele origin: germline.
Comment: This sequence change replaces alanine, which is neutral and non-polar, with threonine, which is neutral and polar, at codon 581 of the PEX6 protein (p.Ala581Thr). This variant is not present in population databases (gnomAD no frequency). This variant has not been reported in the literature in individuals affected with PEX6-related conditions. Algorithms developed to predict the effect of missense changes on protein structure and function output the following: SIFT: "Tolerated"; PolyPhen-2: "Benign"; Align-GVGD: "Class C0". The threonine amino acid residue is found in multiple mammalian species, which suggests that this missense change does not adversely affect protein function. In summary, the available evidence is currently insufficient to determine the role of this variant in disease. Therefore, it has been classified as a Variant of Uncertain Significance.

Ambry Genetics
Classification: Uncertain significance for Inborn genetic diseases. Last evaluated: 2021-07-21. Review status: criteria provided, single submitter. Criteria: Ambry Variant Classification Scheme 2023. Collection method: clinical testing. Allele origin: germline.

NM_000287.4(PEX6):c.1741G>A (p.Ala581Thr)

Gene: PEX6 (peroxisomal biogenesis factor 6; minus strand). Cytogenetic location: 6p21.1.
Variant type: single nucleotide variant.
Coding change: c.1741G>A on transcript NM_000287.4 (MANE Select); coding-DNA position 1741, G replaced by A.
Protein change: p.Ala581Thr; replaces alanine 581 with threonine.
Molecular consequence: missense variant. On other transcripts: non-coding transcript variant (1).
Genome position (GRCh38, 1-based): chr6:42,967,511, C>T on the plus strand (G>A on the coding strand, the complement: PEX6 is on the minus strand). VCF-style: chr6-42967511-C-T. GRCh37 (hg19) VCF-style: chr6-42935249-C-T.
Other names: c.1477G>A, p.Ala493Thr (NM_001316313.2); c.1741G>A (NM_000287.3); short protein forms A493T, A581T.
Identifiers: ClinVar variation 1414090 (VCV001414090.6), dbSNP rs1316254924, ClinGen allele CA364153787.